The following is an entry in ClinVar:

NM_006432.5(NPC2):c.400A>C (p.Lys134Gln)

Gene: NPC2 (NPC intracellular cholesterol transporter 2; minus strand). Cytogenetic location: 14q24.3.
Variant type: single nucleotide variant.
Coding change: c.400A>C on transcript NM_006432.5 (MANE Select); coding-DNA position 400, A replaced by C.
Protein change: p.Lys134Gln; replaces lysine 134 with glutamine.
Molecular consequence: missense variant. On other transcripts: intron variant (1).
Genome position (GRCh38, 1-based): chr14:74,480,743, T>G on the plus strand (A>C on the coding strand, the complement: NPC2 is on the minus strand). VCF-style: chr14-74480743-T-G. GRCh37 (hg19) VCF-style: chr14-74947446-T-G.
Other names: c.400A>C, p.Lys134Gln (NM_001363688.1); c.364-455A>C (NM_001375440.1); short protein forms K134Q.
Identifiers: ClinVar variation 2108749 (VCV002108749.4), dbSNP rs768016909, ClinGen allele CA390531830.

ClinVar aggregate classification (germline): Uncertain significance (1 of 4 stars; one submission).

Conditions:
Niemann-Pick disease, type C2 (NPC2). Identifiers: Orphanet 646, MedGen C1843366, MONDO:0011873, OMIM 607625.

Submission:

Labcorp Genetics (formerly Invitae), Labcorp
Classification: Uncertain significance for Niemann-Pick disease, type C2. Last evaluated: 2024-04-29. Review status: criteria provided, single submitter. Criteria: Invitae Variant Classification Sherloc (09022015). Collection method: clinical testing. Allele origin: germline.
Comment: This sequence change replaces lysine, which is basic and polar, with glutamine, which is neutral and polar, at codon 134 of the NPC2 protein (p.Lys134Gln). This variant is not present in population databases (gnomAD no frequency). This variant has not been reported in the literature in individuals affected with NPC2-related conditions. ClinVar contains an entry for this variant (Variation ID: 2108749). Algorithms developed to predict the effect of missense changes on protein structure and function output the following: SIFT: "Not Available"; PolyPhen-2: "Benign"; Align-GVGD: "Not Available". The glutamine amino acid residue is found in multiple mammalian species, which suggests that this missense change does not adversely affect protein function. In summary, the available evidence is currently insufficient to determine the role of this variant in disease. Therefore, it has been classified as a Variant of Uncertain Significance.